The following is an entry in ClinVar:

ClinVar aggregate classification (germline): Uncertain significance (1 of 4 stars; one submission).

Submission:

GeneDx
Classification: Uncertain significance. Last evaluated: 2022-01-20. Review status: criteria provided, single submitter. Criteria: GeneDx Variant Classification Process June 2021. Collection method: clinical testing. Allele origin: germline. Affected: yes.
Comment: Not observed at significant frequency in large population cohorts (gnomAD); In silico analysis supports a deleterious effect on protein structure/function; Has not been previously published as pathogenic or benign to our knowledge

NM_006662.3(SRCAP):c.5561_5562delinsCT (p.Arg1854Pro)

Gene: SRCAP (Snf2 related CREBBP activator protein; plus strand). Cytogenetic location: 16p11.2.
Variant type: Indel.
Coding change: c.5561_5562delinsCT on transcript NM_006662.3 (MANE Select); coding-DNA positions 5561 to 5562, GC replaced by CT.
Protein change: p.Arg1854Pro; replaces arginine 1854 with proline.
Molecular consequence: missense variant.
Genome position (GRCh38, 1-based): chr16:30,724,985-30,724,986, GC replaced by CT. VCF-style: chr16-30724985-GC-CT. GRCh37 (hg19) VCF-style: chr16-30736306-GC-CT.
Other names: short protein forms R1854P.
Identifiers: ClinVar variation 1698074 (VCV001698074.2), dbSNP rs2151294663, ClinGen allele CA2580091488.